The following is an entry in ClinVar:

NM_152393.4(KLHL40):c.1007A>G (p.Asn336Ser)

Gene: KLHL40 (kelch like family member 40; plus strand). Cytogenetic location: 3p22.1.
Variant type: single nucleotide variant.
Coding change: c.1007A>G on transcript NM_152393.4 (MANE Select); coding-DNA position 1007, A replaced by G.
Protein change: p.Asn336Ser; replaces asparagine 336 with serine.
Molecular consequence: missense variant.
Genome position (GRCh38, 1-based): chr3:42,686,625, A>G. VCF-style: chr3-42686625-A-G. GRCh37 (hg19) VCF-style: chr3-42728117-A-G.
Other names: short protein forms N336S.
Identifiers: ClinVar variation 1062765 (VCV001062765.5), dbSNP rs1225875238, ClinGen allele CA352292213.
Genomic context (GRCh38, chr3:42,686,625, plus strand): 5'-TGCAGGATCTCATCTTCATGATCAGTGAGGAGGGCGCTGTGGCCTACGATCCAGCAGCCA[A>G]CGAGTGCTACTGTGCTTCCCTCTCCAACCAGGTCCCCAAGAACCACGTCAGCCTGGTTAC-3'
Protein context (NP_689606.2, residues 326-346): EGAVAYDPAA[Asn336Ser]ECYCASLSNQ

ClinVar aggregate classification (germline): Uncertain significance (1 of 4 stars; one submission).

Conditions:
Nemaline myopathy 8 (NEM8). Also called: Nemaline myopathy 8, autosomal recessive. Identifiers: Orphanet 171430, MedGen C3809209, MONDO:0014138, OMIM 615348.

Allele frequency attached by ClinVar (database versions not stated): TOPMed below 0.00001.

Submission:

Labcorp Genetics (formerly Invitae), Labcorp
Classification: Uncertain significance for Nemaline myopathy 8. Last evaluated: 2021-03-09. Review status: criteria provided, single submitter. Criteria: Invitae Variant Classification Sherloc (09022015). Collection method: clinical testing. Allele origin: germline.
Comment: In summary, the available evidence is currently insufficient to determine the role of this variant in disease. Therefore, it has been classified as a Variant of Uncertain Significance. This sequence change replaces asparagine with serine at codon 336 of the KLHL40 protein (p.Asn336Ser). The asparagine residue is highly conserved and there is a small physicochemical difference between asparagine and serine. This variant is not present in population databases (ExAC no frequency). This variant has not been reported in the literature in individuals with KLHL40-related conditions. Algorithms developed to predict the effect of missense changes on protein structure and function (SIFT, PolyPhen-2, Align-GVGD) all suggest that this variant is likely to be disruptive, but these predictions have not been confirmed by published functional studies and their clinical significance is uncertain.